The following is an entry in ClinVar:

ClinVar aggregate classification (germline): Uncertain significance (1 of 4 stars; one submission).

Allele frequency attached by ClinVar (database versions not stated): gnomAD exomes below 0.00001 and 0.00001; gnomAD 0.00008 and 0.00009; TOPMed 0.00008.
gnomAD v4.1: 18 of 1,549,756 alleles (0.0012%); highest among the groups gnomAD compares: African/African-American, 0.025%; no homozygotes.

Submission:

Labcorp Genetics (formerly Invitae), Labcorp
Classification: Uncertain significance. Last evaluated: 2023-11-27. Review status: criteria provided, single submitter. Criteria: Invitae Variant Classification Sherloc (09022015). Collection method: clinical testing. Allele origin: germline.
Comment: This sequence change falls in intron 21 of the COL9A2 gene. It does not directly change the encoded amino acid sequence of the COL9A2 protein. It affects a nucleotide within the consensus splice site. The frequency data for this variant in the population databases is considered unreliable, as metrics indicate poor data quality at this position in the gnomAD database. This variant has not been reported in the literature in individuals affected with COL9A2-related conditions. ClinVar contains an entry for this variant (Variation ID: 1366090). Variants that disrupt the consensus splice site are a relatively common cause of aberrant splicing (PMID: 17576681, 9536098). Algorithms developed to predict the effect of sequence changes on RNA splicing suggest that this variant is not likely to affect RNA splicing. In summary, the available evidence is currently insufficient to determine the role of this variant in disease. Therefore, it has been classified as a Variant of Uncertain Significance.

Literature cited by the submitters: PubMed 17576681; PubMed 9536098.

NM_001852.4(COL9A2):c.1108-3C>T

Gene: COL9A2 (collagen type IX alpha 2 chain; minus strand). Cytogenetic location: 1p34.2.
Variant type: single nucleotide variant.
Coding change: c.1108-3C>T on transcript NM_001852.4 (MANE Select); 3 bases into the intron before coding-DNA position 1108, C replaced by T.
Molecular consequence: intron variant.
Genome position (GRCh38, 1-based): chr1:40,304,850, G>A on the plus strand (C>T on the coding strand, the complement: COL9A2 is on the minus strand). VCF-style: chr1-40304850-G-A. GRCh37 (hg19) VCF-style: chr1-40770522-G-A.
Identifiers: ClinVar variation 1366090 (VCV001366090.7), dbSNP rs754923359, ClinGen allele CA791579.